The following is an entry in ClinVar:

NM_030916.3(NECTIN4):c.311C>G (p.Pro104Arg)

Gene: NECTIN4 (nectin cell adhesion molecule 4; minus strand). Cytogenetic location: 1q23.3.
Variant type: single nucleotide variant.
Coding change: c.311C>G on transcript NM_030916.3 (MANE Select); coding-DNA position 311, C replaced by G.
Protein change: p.Pro104Arg; replaces proline 104 with arginine.
Molecular consequence: missense variant.
Genome position (GRCh38, 1-based): chr1:161,079,718, G>C on the plus strand (C>G on the coding strand, the complement: NECTIN4 is on the minus strand). VCF-style: chr1-161079718-G-C. GRCh37 (hg19) VCF-style: chr1-161049508-G-C.
Other names: short protein forms P104R.
Identifiers: ClinVar variation 4749277 (VCV004749277.1).

ClinVar aggregate classification (germline): Uncertain significance (1 of 4 stars; one submission).

gnomAD v4.1: 6 of 1,609,028 alleles (0.00037%); highest among the groups gnomAD compares: East Asian, 0.0045%; no homozygotes.

Submission:

Labcorp Genetics (formerly Invitae), Labcorp
Classification: Uncertain significance. Last evaluated: 2025-10-08. Review status: criteria provided, single submitter. Criteria: Invitae Variant Classification Sherloc (09022015). Collection method: clinical testing. Allele origin: germline.
Comment: This sequence change replaces proline, which is neutral and non-polar, with arginine, which is basic and polar, at codon 104 of the NECTIN4 protein (p.Pro104Arg). This variant is present in population databases (no rsID available, gnomAD 0.006%). This variant has not been reported in the literature in individuals affected with NECTIN4-related conditions. An algorithm developed to predict the effect of missense changes on protein structure and function (PolyPhen-2) suggests that this variant is likely to be disruptive. In summary, the available evidence is currently insufficient to determine the role of this variant in disease. Therefore, it has been classified as a Variant of Uncertain Significance.